The following is an entry in ClinVar:

ClinVar aggregate classification (germline): Uncertain significance. Review status: criteria provided, multiple submitters, no conflicts (2 of 4 stars). 5 submissions from 5 submitters: Uncertain significance (5). Last evaluated 2025-09-10.

Conditions:
Intellectual developmental disorder, autosomal recessive 37. Also called: Intellectual disability-hypotonia-spasticity-sleep disorder syndrome. Identifiers: Orphanet 356996, MedGen C3809672, MONDO:0014210, OMIM 615493.

Allele frequency attached by ClinVar (database versions not stated): gnomAD 0.00014 and 0.00019; TOPMed 0.00018; ExAC 0.00023; 1000 Genomes Project 30x 0.00031; 1000 Genomes Project 0.00040.
gnomAD v4.1: 243 of 1,613,510 alleles (0.015%); highest among the groups gnomAD compares: Admixed American, 0.088%; 2 homozygotes.

Submissions (5):

GeneDx
Classification: Uncertain significance. Last evaluated: 2025-09-10. Review status: criteria provided, single submitter. Criteria: GeneDx Variant Classification Process June 2021. Collection method: clinical testing. Allele origin: germline. Affected: yes.
Comment: In silico analysis suggests that this missense variant does not alter protein structure/function; Has not been previously published as pathogenic or benign to our knowledge

Labcorp Genetics (formerly Invitae), Labcorp
Classification: Uncertain significance. Last evaluated: 2025-06-11. Review status: criteria provided, single submitter. Criteria: Invitae Variant Classification Sherloc (09022015). Collection method: clinical testing. Allele origin: germline.
Comment: This sequence change replaces arginine, which is basic and polar, with histidine, which is basic and polar, at codon 852 of the ANK3 protein (p.Arg852His). This variant is present in population databases (rs190358169, gnomAD 0.08%). This variant has not been reported in the literature in individuals affected with ANK3-related conditions. ClinVar contains an entry for this variant (Variation ID: 252732). An algorithm developed to predict the effect of missense changes on protein structure and function (PolyPhen-2) suggests that this variant is likely to be disruptive. In summary, the available evidence is currently insufficient to determine the role of this variant in disease. Therefore, it has been classified as a Variant of Uncertain Significance.

Fulgent Genetics
Classification: Uncertain significance for Intellectual developmental disorder, autosomal recessive 37. Last evaluated: 2022-02-17. Review status: criteria provided, single submitter. Criteria: ACMG Guidelines, 2015. Collection method: clinical testing. Allele origin: unknown.

Genomic Diagnostic Laboratory, Division of Genomic Diagnostics, Children's Hospital of Philadelphia
Classification: Uncertain significance. Last evaluated: 2015-10-16. Review status: criteria provided, single submitter. Criteria: DGD Variant Analysis Guidelines. Collection method: clinical testing. Allele origin: unknown.

Breakthrough Genomics
Classification: Uncertain significance. Review status: criteria provided, single submitter. Criteria: ACMG Guidelines, 2015. Collection method: not provided. Allele origin: germline. Inheritance: Autosomal recessive inheritance. Affected: yes.

NM_020987.5(ANK3):c.2555G>A (p.Arg852His)

Gene: ANK3 (ankyrin 3; minus strand). Cytogenetic location: 10q21.2.
Variant type: single nucleotide variant.
Coding change: c.2555G>A on transcript NM_020987.5 (MANE Select); coding-DNA position 2555, G replaced by A.
Protein change: p.Arg852His; replaces arginine 852 with histidine.
Molecular consequence: missense variant.
Genome position (GRCh38, 1-based): chr10:60,166,650, C>T on the plus strand (G>A on the coding strand, the complement: ANK3 is on the minus strand). VCF-style: chr10-60166650-C-T. GRCh37 (hg19) VCF-style: chr10-61926408-C-T.
Other names: c.2537G>A, p.Arg846His (NM_001204403.2); c.2504G>A, p.Arg835His (NM_001204404.2); c.2555G>A, p.Arg852His (NM_001320874.2); short protein forms R846H, R852H, R835H.
Identifiers: ClinVar variation 252732 (VCV000252732.11), dbSNP rs190358169, ClinGen allele CA5512764.